The following is an entry in ClinVar:

ClinVar aggregate classification (germline): Uncertain significance (1 of 4 stars; one submission).

Allele frequency attached by ClinVar (database versions not stated): gnomAD exomes 0.00001; TOPMed 0.00001.

Submission:

Labcorp Genetics (formerly Invitae), Labcorp
Classification: Uncertain significance. Last evaluated: 2024-09-19. Review status: criteria provided, single submitter. Criteria: Invitae Variant Classification Sherloc (09022015). Collection method: clinical testing. Allele origin: germline.
Comment: This sequence change replaces proline, which is neutral and non-polar, with alanine, which is neutral and non-polar, at codon 770 of the BRD4 protein (p.Pro770Ala). This variant is not present in population databases (gnomAD no frequency). This variant has not been reported in the literature in individuals affected with BRD4-related conditions. Experimental studies and prediction algorithms are not available or were not evaluated, and the functional significance of this variant is currently unknown. In summary, the available evidence is currently insufficient to determine the role of this variant in disease. Therefore, it has been classified as a Variant of Uncertain Significance.

NM_001379291.1(BRD4):c.2308C>G (p.Pro770Ala)

Gene: BRD4 (bromodomain containing 4; minus strand). Cytogenetic location: 19p13.12.
Variant type: single nucleotide variant.
Coding change: c.2308C>G on transcript NM_001379291.1 (MANE Select); coding-DNA position 2308, C replaced by G.
Protein change: p.Pro770Ala; replaces proline 770 with alanine.
Molecular consequence: missense variant.
Genome position (GRCh38, 1-based): chr19:15,244,504, G>C on the plus strand (C>G on the coding strand, the complement: BRD4 is on the minus strand). VCF-style: chr19-15244504-G-C. GRCh37 (hg19) VCF-style: chr19-15355315-G-C.
Other names: c.2308C>G, p.Pro770Ala (NM_058243.3); short protein forms P770A.
Identifiers: ClinVar variation 2868063 (VCV002868063.3), dbSNP rs1265424190, ClinGen allele CA404509092.